The following is an entry in ClinVar:

ClinVar aggregate classification (germline): Uncertain significance (1 of 4 stars; one submission).

Submission:

GeneDx
Classification: Uncertain significance. Last evaluated: 2026-01-16. Review status: criteria provided, single submitter. Criteria: GeneDx Variant Classification Process June 2021. Collection method: clinical testing. Allele origin: germline.
Comment: Not observed at significant frequency in large population cohorts (gnomAD); In silico analysis supports that this missense variant has a deleterious effect on protein structure/function; Has not been previously published as pathogenic or benign to our knowledge

NM_021096.4(CACNA1I):c.3956T>C (p.Ile1319Thr)

Gene: CACNA1I (calcium voltage-gated channel subunit alpha1 I; plus strand). Cytogenetic location: 22q13.1.
Variant type: single nucleotide variant.
Coding change: c.3956T>C on transcript NM_021096.4 (MANE Select); coding-DNA position 3956, T replaced by C.
Protein change: p.Ile1319Thr; replaces isoleucine 1319 with threonine.
Molecular consequence: missense variant.
Genome position (GRCh38, 1-based): chr22:39,665,602, T>C. VCF-style: chr22-39665602-T-C. GRCh37 (hg19) VCF-style: chr22-40061607-T-C.
Other names: c.3851T>C, p.Ile1284Thr (NM_001003406.2); short protein forms I1284T, I1319T.
Identifiers: ClinVar variation 4685189 (VCV004685189.2).
Genomic context (GRCh38, chr22:39,665,602, plus strand): 5'-TCATCTCCTCCCTCAAGCCCATCGGCAACATCGTGCTCATCTGCTGTGCCTTCTTCATCA[T>C]CTTTGGCATCCTGGGAGTGCAGGTGAGGGGTGCCCAGTCTGGGCAGGGACTGGGCTCTGT-3'
Protein context (NP_066919.2, residues 1309-1329): IVLICCAFFI[Ile1319Thr]FGILGVQLFK